The following is an entry in ClinVar:

NM_000440.3(PDE6A):c.385G>A (p.Asp129Asn)

Gene: PDE6A (phosphodiesterase 6A; minus strand). Cytogenetic location: 5q32.
Variant type: single nucleotide variant.
Coding change: c.385G>A on transcript NM_000440.3 (MANE Select); coding-DNA position 385, G replaced by A.
Protein change: p.Asp129Asn; replaces aspartic acid 129 with asparagine.
Molecular consequence: missense variant.
Genome position (GRCh38, 1-based): chr5:149,944,289, C>T on the plus strand (G>A on the coding strand, the complement: PDE6A is on the minus strand). VCF-style: chr5-149944289-C-T. GRCh37 (hg19) VCF-style: chr5-149323852-C-T.
Other names: short protein forms D129N.
Identifiers: ClinVar variation 1053977 (VCV001053977.6), dbSNP rs577079672, ClinGen allele CA3505065.

ClinVar aggregate classification (germline): Uncertain significance (1 of 4 stars; one submission).

Allele frequency attached by ClinVar (database versions not stated): ExAC 0.00002.

Submission:

Labcorp Genetics (formerly Invitae), Labcorp
Classification: Uncertain significance. Last evaluated: 2021-09-01. Review status: criteria provided, single submitter. Criteria: Invitae Variant Classification Sherloc (09022015). Collection method: clinical testing. Allele origin: germline.
Comment: This sequence change replaces aspartic acid with asparagine at codon 129 of the PDE6A protein (p.Asp129Asn). The aspartic acid residue is moderately conserved and there is a small physicochemical difference between aspartic acid and asparagine. This variant is present in population databases (rs577079672, ExAC 0.003%). This variant has not been reported in the literature in individuals affected with PDE6A-related conditions. Algorithms developed to predict the effect of missense changes on protein structure and function are either unavailable or do not agree on the potential impact of this missense change (SIFT: "Deleterious"; PolyPhen-2: "Benign"; Align-GVGD: "Class C0"). In summary, the available evidence is currently insufficient to determine the role of this variant in disease. Therefore, it has been classified as a Variant of Uncertain Significance.